The following is an entry in ClinVar:

NM_015450.3(POT1):c.1255T>A (p.Tyr419Asn)

Gene: POT1 (protection of telomeres 1; minus strand). Cytogenetic location: 7q31.33.
Variant type: single nucleotide variant.
Coding change: c.1255T>A on transcript NM_015450.3 (MANE Select); coding-DNA position 1255, T replaced by A.
Protein change: p.Tyr419Asn; replaces tyrosine 419 with asparagine.
Molecular consequence: missense variant. On other transcripts: non-coding transcript variant (3).
Genome position (GRCh38, 1-based): chr7:124,841,087, A>T on the plus strand (T>A on the coding strand, the complement: POT1 is on the minus strand). VCF-style: chr7-124841087-A-T. GRCh37 (hg19) VCF-style: chr7-124481141-A-T.
Other names: c.862T>A, p.Tyr288Asn (NM_001042594.2); c.1255T>A (NM_015450.2); short protein forms Y288N, Y419N.
Identifiers: ClinVar variation 1413554 (VCV001413554.7), dbSNP rs773811344, ClinGen allele CA369067403.

ClinVar aggregate classification (germline): Uncertain significance. Review status: criteria provided, multiple submitters, no conflicts (2 of 4 stars). 2 submissions from 2 submitters: Uncertain significance (2). Last evaluated 2024-09-24.

Conditions:
Tumor predisposition syndrome 3 (TPDS3). Also called: LONG TELOMERE SYNDROME, POT1-RELATED; POT1 Tumor Predisposition; Glioma susceptibility 9; Melanoma, cutaneous malignant, susceptibility to, 10. Identifiers: Orphanet 618, MedGen C4014476, MONDO:0014368, OMIM 615848.
Hereditary cancer-predisposing syndrome. Also called: Hereditary Cancer Syndrome; Neoplastic Syndromes, Hereditary; Hereditary neoplastic syndrome; Tumor predisposition. Identifiers: Orphanet 140162, MedGen C0027672, MeSH D009386, MONDO:0015356.

gnomAD v4.1: 2 of 1,612,738 alleles (0.00012%); highest among the groups gnomAD compares: Non-Finnish European, 0.00017%; no homozygotes.

Submissions (2):

Ambry Genetics
Classification: Uncertain significance for Hereditary cancer-predisposing syndrome. Last evaluated: 2024-09-24. Review status: criteria provided, single submitter. Criteria: Ambry Variant Classification Scheme 2023. Collection method: clinical testing. Allele origin: germline.
Comment: The p.Y419N variant (also known as c.1255T>A), located in coding exon 10 of the POT1 gene, results from a T to A substitution at nucleotide position 1255. The tyrosine at codon 419 is replaced by asparagine, an amino acid with dissimilar properties. This amino acid position is conserved. In addition, the in silico prediction for this alteration is inconclusive. Based on the available evidence, the clinical significance of this variant remains unclear.

Labcorp Genetics (formerly Invitae), Labcorp
Classification: Uncertain significance for Tumor predisposition syndrome 3. Last evaluated: 2021-08-27. Review status: criteria provided, single submitter. Criteria: Invitae Variant Classification Sherloc (09022015). Collection method: clinical testing. Allele origin: germline.
Comment: In summary, the available evidence is currently insufficient to determine the role of this variant in disease. Therefore, it has been classified as a Variant of Uncertain Significance. Algorithms developed to predict the effect of missense changes on protein structure and function (SIFT, PolyPhen-2, Align-GVGD) all suggest that this variant is likely to be disruptive. This variant has not been reported in the literature in individuals affected with POT1-related conditions. This variant is not present in population databases (ExAC no frequency). This sequence change replaces tyrosine with asparagine at codon 419 of the POT1 protein (p.Tyr419Asn). The tyrosine residue is highly conserved and there is a large physicochemical difference between tyrosine and asparagine.